The following is an entry in ClinVar:

NM_001384474.1(LOXHD1):c.2030G>C (p.Ser677Thr)

Gene: LOXHD1 (lipoxygenase homology PLAT domains 1; minus strand). Cytogenetic location: 18q21.1.
Variant type: single nucleotide variant.
Coding change: c.2030G>C on transcript NM_001384474.1 (MANE Select); coding-DNA position 2030, G replaced by C.
Protein change: p.Ser677Thr; replaces serine 677 with threonine.
Molecular consequence: missense variant.
Genome position (GRCh38, 1-based): chr18:46,572,103, C>G on the plus strand (G>C on the coding strand, the complement: LOXHD1 is on the minus strand). VCF-style: chr18-46572103-C-G. GRCh37 (hg19) VCF-style: chr18-44152066-C-G.
Other names: c.2030G>C, p.Ser677Thr (NM_144612.7); short protein forms S677T.
Identifiers: ClinVar variation 2590440 (VCV002590440.4), dbSNP rs200094006, ClinGen allele CA8952724.

ClinVar aggregate classification (germline): Uncertain significance. Review status: criteria provided, multiple submitters, no conflicts (2 of 4 stars). 3 submissions from 3 submitters: Uncertain significance (3). Last evaluated 2025-11-17.

Conditions:
LOXHD1-related disorder. Also called: LOXHD1-related condition.
Inborn genetic diseases. Identifiers: MedGen C0950123, MeSH D030342.

Allele frequency attached by ClinVar (database versions not stated): ExAC 0.00018; TOPMed 0.00024; gnomAD 0.00025; 1000 Genomes Project 0.00060; 1000 Genomes Project 30x 0.00094.
gnomAD v4.1: 73 of 1,551,818 alleles (0.0047%); highest among the groups gnomAD compares: African/African-American, 0.087%; no homozygotes.

Submissions (3):

PreventionGenetics, part of Exact Sciences
Classification: Uncertain significance for LOXHD1-related condition. Last evaluated: 2025-11-17. Review status: criteria provided, single submitter. Criteria: ACMG Guidelines, 2015. Collection method: clinical testing. Allele origin: germline.
Comment: The LOXHD1 c.2030G>C variant is predicted to result in the amino acid substitution p.Ser677Thr. To our knowledge, this variant has not been reported in the literature. This variant is reported in 0.12% of alleles in individuals of African descent in gnomAD. Although we suspect that this variant may be benign, at this time, the clinical significance of this variant is uncertain due to the absence of conclusive functional and genetic evidence.

Blueprint Genetics
Classification: Uncertain significance. Last evaluated: 2024-08-20. Review status: criteria provided, single submitter. Criteria: ACMG Guidelines, 2015. Collection method: clinical testing. Allele origin: germline.

Ambry Genetics
Classification: Uncertain significance for Inborn genetic diseases. Last evaluated: 2023-07-05. Review status: criteria provided, single submitter. Criteria: Ambry Variant Classification Scheme 2023. Collection method: clinical testing. Allele origin: germline.